The following is an entry in ClinVar:

NM_006662.3(SRCAP):c.5525C>T (p.Pro1842Leu)

Gene: SRCAP (Snf2 related CREBBP activator protein; plus strand). Cytogenetic location: 16p11.2.
Variant type: single nucleotide variant.
Coding change: c.5525C>T on transcript NM_006662.3 (MANE Select); coding-DNA position 5525, C replaced by T.
Protein change: p.Pro1842Leu; replaces proline 1842 with leucine.
Molecular consequence: missense variant.
Genome position (GRCh38, 1-based): chr16:30,724,949, C>T. VCF-style: chr16-30724949-C-T. GRCh37 (hg19) VCF-style: chr16-30736270-C-T.
Other names: short protein forms P1842L.
Identifiers: ClinVar variation 3660244 (VCV003660244.2).

ClinVar aggregate classification (germline): Uncertain significance (1 of 4 stars; one submission).

Submission:

Labcorp Genetics (formerly Invitae), Labcorp
Classification: Uncertain significance. Last evaluated: 2024-10-03. Review status: criteria provided, single submitter. Criteria: Invitae Variant Classification Sherloc (09022015). Collection method: clinical testing. Allele origin: germline.
Comment: This sequence change replaces proline, which is neutral and non-polar, with leucine, which is neutral and non-polar, at codon 1842 of the SRCAP protein (p.Pro1842Leu). This variant is present in population databases (rs768123294, gnomAD 0.006%). This variant has not been reported in the literature in individuals affected with SRCAP-related conditions. Invitae Evidence Modeling of protein sequence and biophysical properties (such as structural, functional, and spatial information, amino acid conservation, physicochemical variation, residue mobility, and thermodynamic stability) indicates that this missense variant is not expected to disrupt SRCAP protein function with a negative predictive value of 80%. In summary, the available evidence is currently insufficient to determine the role of this variant in disease. Therefore, it has been classified as a Variant of Uncertain Significance.